The following is an entry in ClinVar:

ClinVar aggregate classification (germline): Uncertain significance (1 of 4 stars; one submission).

Submission:

Women's Health and Genetics/Laboratory Corporation of America, LabCorp
Classification: Uncertain significance. Last evaluated: 2026-03-11. Review status: criteria provided, single submitter. Criteria: LabCorp Variant Classification Summary - May 2015. Collection method: clinical testing. Allele origin: germline.
Comment: Variant summary: ZSWIM6 c.426_446del21 (p.Ala147_Gly153del) results in an in-frame deletion that is predicted to remove seven amino acids from the encoded protein. The variant was absent in 12764 control chromosomes. The available data on variant occurrences in the general population are insufficient to allow any conclusion about variant significance. To our knowledge, no occurrence of c.426_446del21 in individuals affected with ZSWIM6-related conditions and no experimental evidence demonstrating its impact on protein function have been reported. No submitters have cited clinical-significance assessments for this variant to ClinVar. Based on the evidence outlined above, the variant was classified as uncertain significance.

NM_020928.2(ZSWIM6):c.426_446del (p.Ala147_Gly153del)

Gene: ZSWIM6 (zinc finger SWIM-type containing 6; plus strand). Cytogenetic location: 5q12.1.
Variant type: Deletion.
Coding change: c.426_446del on transcript NM_020928.2 (MANE Select); coding-DNA positions 426 to 446, 21 bases deleted (TGGCGGCGGCGGCGCGGGCGG).
Protein change: p.Ala147_Gly153del.
Genome position (GRCh38, 1-based): chr5:61,332,698-61,332,718, TGGCGGCGGCGGCGCGGGCGG deleted; deleting any 21 consecutive bases within chr5:61,332,694-61,332,718 gives the same sequence; the c. name uses the placement nearest the transcript's 3' end. VCF-style (leftmost placement, unchanged base first): chr5-61332693-AGCGGTGGCGGCGGCGGCGCGG-A. GRCh37 (hg19) VCF-style: chr5-60628520-AGCGGTGGCGGCGGCGGCGCGG-A.
Other names: c.426_446del21 (NM_020928.2).
Identifiers: ClinVar variation 4847324 (VCV004847324.1).